The following is an entry in ClinVar:

NM_001384474.1(LOXHD1):c.4082G>A (p.Arg1361His)

Gene: LOXHD1 (lipoxygenase homology PLAT domains 1; minus strand). Cytogenetic location: 18q21.1.
Variant type: single nucleotide variant.
Coding change: c.4082G>A on transcript NM_001384474.1 (MANE Select); coding-DNA position 4082, G replaced by A.
Protein change: p.Arg1361His; replaces arginine 1361 with histidine.
Molecular consequence: missense variant.
Genome position (GRCh38, 1-based): chr18:46,538,169, C>T on the plus strand (G>A on the coding strand, the complement: LOXHD1 is on the minus strand). VCF-style: chr18-46538169-C-T. GRCh37 (hg19) VCF-style: chr18-44118132-C-T.
Other names: c.749G>A, p.Arg250His (NM_001145472.3); c.461G>A, p.Arg154His (NM_001308013.2); c.4082G>A, p.Arg1361His (NM_144612.7); short protein forms R1361H, R250H, R154H.
Identifiers: ClinVar variation 228825 (VCV000228825.14), dbSNP rs374474061, ClinGen allele CA8952395.

ClinVar aggregate classification (germline): Conflicting classifications of pathogenicity. Review status: criteria provided, conflicting classifications (1 of 4 stars). 7 submissions from 7 submitters: Uncertain significance (3); Likely benign (1). 3 of the submissions do not count toward it. Last evaluated 2025-08-07.

Conditions:
Inborn genetic diseases. Identifiers: MedGen C0950123, MeSH D030342.
LOXHD1-related disorder. Also called: LOXHD1-related condition.
Autosomal recessive nonsyndromic hearing loss 77. Identifiers: Orphanet 90636, MedGen C2746083, MONDO:0013119, OMIM 613079.

Allele frequency attached by ClinVar (database versions not stated): gnomAD exomes 0.00015; gnomAD 0.00032; ExAC 0.00047; TOPMed 0.00049; ESP Exome Variant Server 0.00088.
gnomAD v4.1: 96 of 1,532,162 alleles (0.0063%); highest among the groups gnomAD compares: African/African-American, 0.11%; no homozygotes.

Submissions (7):

Ambry Genetics
Classification: Likely benign for Inborn genetic diseases. Last evaluated: 2025-08-07. Review status: criteria provided, single submitter. Criteria: Ambry Variant Classification Scheme 2023. Collection method: clinical testing. Allele origin: germline.

Labcorp Genetics (formerly Invitae), Labcorp
Classification: Uncertain significance. Last evaluated: 2022-09-27. Review status: criteria provided, single submitter. Criteria: Invitae Variant Classification Sherloc (09022015). Collection method: clinical testing. Allele origin: germline.
Comment: This sequence change replaces arginine, which is basic and polar, with histidine, which is basic and polar, at codon 1361 of the LOXHD1 protein (p.Arg1361His). This variant is present in population databases (rs374474061, gnomAD 0.2%). This variant has not been reported in the literature in individuals affected with LOXHD1-related conditions. ClinVar contains an entry for this variant (Variation ID: 228825). Algorithms developed to predict the effect of missense changes on protein structure and function (SIFT, PolyPhen-2, Align-GVGD) all suggest that this variant is likely to be tolerated. In summary, the available evidence is currently insufficient to determine the role of this variant in disease. Therefore, it has been classified as a Variant of Uncertain Significance.

Eurofins Ntd Llc (ga)
Classification: Uncertain significance. Last evaluated: 2018-01-09. Review status: criteria provided, single submitter. Criteria: EGL Classification Definitions 2015. Collection method: clinical testing. Allele origin: germline. Observed: 1 variant allele, 1 heterozygote.

Laboratory for Molecular Medicine, Mass General Brigham Personalized Medicine
Classification: Uncertain significance. Last evaluated: 2015-05-03. Review status: criteria provided, single submitter. Criteria: LMM Criteria. Collection method: clinical testing. Allele origin: germline. Observed: 1 variant allele.
Comment: Variant classified as Uncertain Significance - Favor Benign. The p.Arg1361His va riant in LOXHD1 has not been previously reported in individuals with hearing los s, but has been identified in 0.3% (9/2738) of African chromosomes by the Exome Aggregation Consortium (ExAC; dbSNP rs374474061) . Computational prediction tools and conservation analysis do not provide strong support for or against an impact to the protein. In summary, while the clinical significance of the p.Arg1361His variant is uncertain, its frequency and lack o f evolutionarily conservation suggest that it is more likely to be benign.

PreventionGenetics, part of Exact Sciences
Classification: Likely benign for LOXHD1-related condition. Last evaluated: 2024-05-18. Review status: no assertion criteria provided. Collection method: clinical testing. Allele origin: germline. Not counted in ClinVar's aggregate classification.
Comment: This variant is classified as likely benign based on ACMG/AMP sequence variant interpretation guidelines (Richards et al. 2015 PMID: 25741868, with internal and published modifications).

Natera, Inc.
Classification: Uncertain significance for Autosomal recessive deafness type 77. Last evaluated: 2020-03-11. Review status: no assertion criteria provided. Collection method: clinical testing. Allele origin: germline. Not counted in ClinVar's aggregate classification.

Counsyl
Classification: Uncertain significance for Autosomal recessive nonsyndromic hearing loss 77. Last evaluated: 2017-11-03. Review status: no assertion criteria provided. Collection method: clinical testing. Allele origin: unknown. Not counted in ClinVar's aggregate classification.